The following is an entry in ClinVar:

ClinVar aggregate classification (germline): Pathogenic/Likely pathogenic. Review status: criteria provided, multiple submitters, no conflicts (2 of 4 stars). 3 submissions from 3 submitters: Pathogenic (2); Likely pathogenic (1). Last evaluated 2026-04-28.

Conditions:
MYO15A-related disorder. Also called: MYO15A-related condition.

Allele frequency attached by ClinVar (database versions not stated): gnomAD exomes below 0.00001 and 0.00001.

Submissions (3):

PreventionGenetics, part of Exact Sciences
Classification: Likely pathogenic for MYO15A-related condition. Last evaluated: 2026-04-28. Review status: criteria provided, single submitter. Criteria: ACMG Guidelines, 2015. Collection method: clinical testing. Allele origin: germline.
Comment: The MYO15A c.4602_4603delAA variant is predicted to result in a frameshift and premature protein termination (p.Met1535Alafs*66). To our knowledge, this variant has not been reported in the literature. This variant is reported in 0.0058% of alleles in individuals of Latino descent in gnomAD. Frameshift variants in MYO15A are expected to be pathogenic. This variant is interpreted as likely pathogenic.

Labcorp Genetics (formerly Invitae), Labcorp
Classification: Pathogenic. Last evaluated: 2025-09-30. Review status: criteria provided, single submitter. Criteria: Invitae Variant Classification Sherloc (09022015). Collection method: clinical testing. Allele origin: germline.
Comment: This sequence change creates a premature translational stop signal (p.Met1535Alafs*66) in the MYO15A gene. It is expected to result in an absent or disrupted protein product. Loss-of-function variants in MYO15A are known to be pathogenic (PMID: 17546645). This variant is present in population databases (no rsID available, gnomAD 0.006%). This variant has not been reported in the literature in individuals affected with MYO15A-related conditions. ClinVar contains an entry for this variant (Variation ID: 1194323). For these reasons, this variant has been classified as Pathogenic.

GeneDx
Classification: Pathogenic. Last evaluated: 2025-04-08. Review status: criteria provided, single submitter. Criteria: GeneDx Variant Classification Process June 2021. Collection method: clinical testing. Allele origin: germline. Affected: yes.
Comment: Frameshift variant predicted to result in protein truncation or nonsense mediated decay in a gene for which loss-of-function is a known mechanism of disease; Has not been previously published as pathogenic or benign to our knowledge; Not observed at significant frequency in large population cohorts (gnomAD)

Literature cited by the submitters: PubMed 17546645 (cited by Labcorp Genetics (formerly Invitae), Labcorp).

NM_016239.4(MYO15A):c.4602_4603del (p.Met1535fs)

Gene: MYO15A (myosin XVA; plus strand). Cytogenetic location: 17p11.2.
Variant type: Deletion.
Coding change: c.4602_4603del on transcript NM_016239.4 (MANE Select); coding-DNA positions 4602 to 4603, 2 bases deleted (AA; older notation c.4602_4603delAA).
Protein change: p.Met1535fs; shifts the reading frame from methionine 1535.
Molecular consequence: frameshift variant.
Genome position (GRCh38, 1-based): chr17:18,136,422-18,136,423, AA deleted. VCF-style (leftmost placement, unchanged base first): chr17-18136421-CAA-C. GRCh37 (hg19) VCF-style: chr17-18039735-CAA-C.
Other names: c.4602_4603delAA (NM_016239.3); c.4602_4603del (NM_016239.3); short protein forms M1535fs.
Identifiers: ClinVar variation 1194323 (VCV001194323.9), dbSNP rs1287957722, ClinGen allele CA625315267.